The following is an entry in ClinVar:

NM_005609.4(PYGM):c.781G>A (p.Gly261Ser)

Gene: PYGM (glycogen phosphorylase, muscle associated; minus strand). Cytogenetic location: 11q13.1.
Variant type: single nucleotide variant.
Coding change: c.781G>A on transcript NM_005609.4 (MANE Select); coding-DNA position 781, G replaced by A.
Protein change: p.Gly261Ser; replaces glycine 261 with serine.
Molecular consequence: missense variant.
Genome position (GRCh38, 1-based): chr11:64,755,347, C>T on the plus strand (G>A on the coding strand, the complement: PYGM is on the minus strand). VCF-style: chr11-64755347-C-T. GRCh37 (hg19) VCF-style: chr11-64522819-C-T.
Other names: c.517G>A, p.Gly173Ser (NM_001164716.1); short protein forms G173S, G261S.
Identifiers: ClinVar variation 2157446 (VCV002157446.1), dbSNP rs2058386942, ClinGen allele CA381179878.

ClinVar aggregate classification (germline): Uncertain significance (1 of 4 stars; one submission).

Conditions:
Glycogen storage disease, type V (GSD5). Also called: PYGM DEFICIENCY; MCARDLE DISEASE; MUSCLE GLYCOGEN PHOSPHORYLASE DEFICIENCY; MYOPHOSPHORYLASE DEFICIENCY; McArdle type glycogen storage disease. Identifiers: Orphanet 368, MedGen C0017924, MONDO:0009293, OMIM 232600.

Allele frequency attached by ClinVar (database versions not stated): gnomAD exomes below 0.00001; TOPMed below 0.00001.

Submission:

Labcorp Genetics (formerly Invitae), Labcorp
Classification: Uncertain significance for Glycogen storage disease, type V. Last evaluated: 2022-03-14. Review status: criteria provided, single submitter. Criteria: Invitae Variant Classification Sherloc (09022015). Collection method: clinical testing. Allele origin: germline.
Comment: This sequence change replaces glycine, which is neutral and non-polar, with serine, which is neutral and polar, at codon 261 of the PYGM protein (p.Gly261Ser). This variant is not present in population databases (gnomAD no frequency). This variant has not been reported in the literature in individuals affected with PYGM-related conditions. Algorithms developed to predict the effect of missense changes on protein structure and function are either unavailable or do not agree on the potential impact of this missense change (SIFT: "Not Available"; PolyPhen-2: "Probably Damaging"; Align-GVGD: "Not Available"). In summary, the available evidence is currently insufficient to determine the role of this variant in disease. Therefore, it has been classified as a Variant of Uncertain Significance.